The following is an entry in ClinVar:

NM_000245.4(MET):c.3578A>G (p.Lys1193Arg)

Gene: MET (MET proto-oncogene, receptor tyrosine kinase; plus strand). Cytogenetic location: 7q31.2.
Variant type: single nucleotide variant.
Coding change: c.3578A>G on transcript NM_000245.4 (MANE Select); coding-DNA position 3578, A replaced by G.
Protein change: p.Lys1193Arg; replaces lysine 1193 with arginine.
Molecular consequence: missense variant.
Genome position (GRCh38, 1-based): chr7:116,782,043, A>G. VCF-style: chr7-116782043-A-G. GRCh37 (hg19) VCF-style: chr7-116422097-A-G.
Other names: c.3632A>G, p.Lys1211Arg (NM_001127500.3); c.2288A>G, p.Lys763Arg (NM_001324402.2); short protein forms K1193R, K763R, K1211R.
Identifiers: ClinVar variation 1937117 (VCV001937117.5), dbSNP rs2485831368, ClinGen allele CA368991057.

ClinVar aggregate classification (germline): Uncertain significance (1 of 4 stars; one submission).

Conditions:
Renal cell carcinoma. Identifiers: Orphanet 217071, MedGen C0007134, MeSH D002292, MONDO:0005086, HP:0005584.

Submission:

Labcorp Genetics (formerly Invitae), Labcorp
Classification: Uncertain significance for Renal cell carcinoma. Last evaluated: 2022-06-14. Review status: criteria provided, single submitter. Criteria: Invitae Variant Classification Sherloc (09022015). Collection method: clinical testing. Allele origin: germline.
Comment: Algorithms developed to predict the effect of missense changes on protein structure and function (SIFT, PolyPhen-2, Align-GVGD) all suggest that this variant is likely to be tolerated. In summary, the available evidence is currently insufficient to determine the role of this variant in disease. Therefore, it has been classified as a Variant of Uncertain Significance. This variant has not been reported in the literature in individuals affected with MET-related conditions. This variant is not present in population databases (gnomAD no frequency). This sequence change replaces lysine, which is basic and polar, with arginine, which is basic and polar, at codon 1211 of the MET protein (p.Lys1211Arg).